The following is an entry in ClinVar:

ClinVar aggregate classification (germline): Uncertain significance. Review status: criteria provided, multiple submitters, no conflicts (2 of 4 stars). 2 submissions from 2 submitters: Uncertain significance (2). Last evaluated 2024-07-30.

Conditions:
Cardiovascular phenotype. Identifiers: MedGen CN230736.
Long QT syndrome (LQTS). Identifiers: MedGen C0023976, MeSH D008133, MONDO:0002442. Disease mechanism: loss of function. Inheritance: Various modes of inheritance.

Allele frequency attached by ClinVar (database versions not stated): gnomAD exomes below 0.00001; TOPMed below 0.00001.

Submissions (2):

Labcorp Genetics (formerly Invitae), Labcorp
Classification: Uncertain significance for Long QT syndrome. Last evaluated: 2024-07-30. Review status: criteria provided, single submitter. Criteria: Invitae Variant Classification Sherloc (09022015). Collection method: clinical testing. Allele origin: germline.
Comment: This sequence change replaces leucine, which is neutral and non-polar, with proline, which is neutral and non-polar, at codon 313 of the SNTA1 protein (p.Leu313Pro). This variant is not present in population databases (gnomAD no frequency). This variant has not been reported in the literature in individuals affected with SNTA1-related conditions. ClinVar contains an entry for this variant (Variation ID: 2562677). Advanced modeling of protein sequence and biophysical properties (such as structural, functional, and spatial information, amino acid conservation, physicochemical variation, residue mobility, and thermodynamic stability) performed at Invitae indicates that this missense variant is expected to disrupt SNTA1 protein function with a positive predictive value of 80%. In summary, the available evidence is currently insufficient to determine the role of this variant in disease. Therefore, it has been classified as a Variant of Uncertain Significance.

Ambry Genetics
Classification: Uncertain significance for Cardiovascular phenotype. Last evaluated: 2023-05-22. Review status: criteria provided, single submitter. Criteria: Ambry Variant Classification Scheme 2023. Collection method: clinical testing. Allele origin: germline.
Comment: The p.L313P variant (also known as c.938T>C), located in coding exon 5 of the SNTA1 gene, results from a T to C substitution at nucleotide position 938. The leucine at codon 313 is replaced by proline, an amino acid with similar properties. This amino acid position is conserved. In addition, the in silico prediction for this alteration is inconclusive. Since supporting evidence is limited at this time, the clinical significance of this alteration remains unclear.

NM_003098.3(SNTA1):c.938T>C (p.Leu313Pro)

Gene: SNTA1 (syntrophin alpha 1; minus strand). Cytogenetic location: 20q11.21.
Variant type: single nucleotide variant.
Coding change: c.938T>C on transcript NM_003098.3 (MANE Select); coding-DNA position 938, T replaced by C.
Protein change: p.Leu313Pro; replaces leucine 313 with proline.
Molecular consequence: missense variant.
Genome position (GRCh38, 1-based): chr20:33,412,398, A>G on the plus strand (T>C on the coding strand, the complement: SNTA1 is on the minus strand). VCF-style: chr20-33412398-A-G. GRCh37 (hg19) VCF-style: chr20-32000204-A-G.
Other names: short protein forms L313P.
Identifiers: ClinVar variation 2562677 (VCV002562677.4), dbSNP rs1989762042, ClinGen allele CA408631275.
Genomic context (GRCh38, chr20:33,412,398, plus strand): 5'-GCCTCGCGGGTCTCGGGGAGAGACAAGTAGAGGAGCAGTTCCTTTTCAGTTAGCAGGGCC[A>G]GGGTGGGGGCTGTGCCCCCACTGGGCAGCTGCAGAGAACAAAACAGCAGTGAGGATGGGT-3'
Protein context (NP_003089.1, residues 303-323): QLPSGGTAPT[Leu313Pro]ALLTEKELLL